The following is an entry in ClinVar:

ClinVar aggregate classification (germline): Conflicting classifications of pathogenicity. Review status: criteria provided, conflicting classifications (1 of 4 stars). 5 submissions from 5 submitters: Likely pathogenic (1); Uncertain significance (1); Benign (1). 2 of the submissions do not count toward it. Last evaluated 2025-11-12.

Conditions:
Androgen resistance syndrome (AIS). Also called: Androgen insensitivity, complete; Androgen insensitivity syndrome; DHTR DEFICIENCY; ANDROGEN RECEPTOR DEFICIENCY; DIHYDROTESTOSTERONE RECEPTOR DEFICIENCY; TESTICULAR FEMINIZATION SYNDROME. Identifiers: Orphanet 754, Orphanet 99429, MedGen C0039585, MONDO:0019154, OMIM 300068. Disease mechanism: loss of function.
Kennedy disease (SMAX1). Also called: Spinal and Bulbar Muscular Atrophy; SPINAL AND BULBAR MUSCULAR ATROPHY, X-LINKED 1; KENNEDY SPINAL AND BULBAR MUSCULAR ATROPHY. Identifiers: Orphanet 481, MedGen C1839259, MONDO:0010735, OMIM 313200.
Male infertility. Identifiers: MedGen C0021364, MeSH D007248, MONDO:0005372, HP:0003251.
AR-related disorder. Also called: AR-related condition.

Allele frequency attached by ClinVar (database versions not stated): gnomAD 0.00014 and 0.00013; gnomAD exomes 0.00018 and 0.00012; ExAC 0.00019; ESP Exome Variant Server 0.00010; TOPMed 0.00010.
gnomAD v4.1: 215 of 1,189,197 alleles (0.018%); highest among the groups gnomAD compares: Non-Finnish European, 0.022%; no homozygotes.

Submissions (5):

Labcorp Genetics (formerly Invitae), Labcorp
Classification: Benign for Kennedy disease; Androgen resistance syndrome. Last evaluated: 2025-11-12. Review status: criteria provided, single submitter. Criteria: Invitae Variant Classification Sherloc (09022015). Collection method: clinical testing. Allele origin: germline.

Women's Health and Genetics/Laboratory Corporation of America, LabCorp
Classification: Uncertain significance. Last evaluated: 2024-04-30. Review status: criteria provided, single submitter. Criteria: LabCorp Variant Classification Summary - May 2015. Collection method: clinical testing. Allele origin: germline.
Comment: Variant summary: AR c.475G>A (p.Ala159Thr) results in a non-conservative amino acid change in the encoded protein sequence. Four of five in-silico tools predict a damaging effect of the variant on protein function. The variant allele was found at a frequency of 0.00012 in 142080 control chromosomes (gnomAD). This frequency is not significantly higher than estimated for a pathogenic variant in AR causing Androgen Resistance Syndrome (0.00012 vs ND), allowing no conclusion about variant significance. c.475G>A has been reported in the literature in individuals affected with azoospermia or partial androgen insensitivity syndrome (Riera-Escamilla_2022, Rocca_2023). These data do not allow any conclusion about variant significance. At least one publication reports experimental evidence evaluating an impact on protein function (Tadokoro-Cuccaro_2014). The most pronounced variant effect results in >50%-90% of normal activity. The following publications have been ascertained in the context of this evaluation (PMID: 25500996, 35809576, 36394509). ClinVar contains an entry for this variant (Variation ID: 492777). Based on the evidence outlined above, the variant was classified as uncertain significance.

Institute of Reproductive Genetics, University of Münster
Classification: Likely pathogenic for Male infertility. Last evaluated: 2024-01-16. Review status: criteria provided, single submitter. Criteria: Uk Practice Guidelines For Variant Classification V4 01 2020. Collection method: research, in vitro. Allele origin: germline, not applicable. Observed: 1 variant allele, 1 hemizygote.

PreventionGenetics, part of Exact Sciences
Classification: Uncertain significance for AR-related condition. Last evaluated: 2024-03-07. Review status: no assertion criteria provided. Collection method: clinical testing. Allele origin: germline. Not counted in ClinVar's aggregate classification.
Comment: The AR c.475G>A variant is predicted to result in the amino acid substitution p.Ala159Thr. This variant has been reported in an individual with a diagnosis of androgen insensitivity syndrome (Table 1, Tadokoro-Cuccaro et al. 2014. PubMed ID: 25500996). In vitro functional studies expressing this variant in COS-1 cells revealed a reduced Pem-luciferase reporter activity as compared to wild-type AR but not the GRE-luciferase reporter (Tadokoro-Cuccaro et al. 2014. PubMed ID: 25500996). This variant is reported in 0.026% of alleles in individuals of European (non-Finnish) descent in gnomAD, including 6 hemizygotes. At this time, the clinical significance of this variant is uncertain due to the absence of conclusive functional and genetic evidence.

Clinical Molecular Genetics Laboratory, Johns Hopkins All Children's Hospital
Classification: Pathogenic for Androgen resistance syndrome. Last evaluated: 2005-05-09. Review status: no assertion criteria provided. Collection method: clinical testing. Allele origin: germline. Affected: yes. Not counted in ClinVar's aggregate classification.

Literature cited by the submitters: PubMed 25500996 (cited by Women's Health and Genetics/Laboratory Corporation of America, LabCorp); PubMed 35809576 (cited by Women's Health and Genetics/Laboratory Corporation of America, LabCorp); PubMed 36394509 (cited by Women's Health and Genetics/Laboratory Corporation of America, LabCorp).

NM_000044.6(AR):c.475G>A (p.Ala159Thr)

Gene: AR (androgen receptor; plus strand). Cytogenetic location: Xq12.
Variant type: single nucleotide variant.
Coding change: c.475G>A on transcript NM_000044.6 (MANE Select); coding-DNA position 475, G replaced by A.
Protein change: p.Ala159Thr; replaces alanine 159 with threonine.
Molecular consequence: missense variant. On other transcripts: 5 prime UTR variant (1).
Genome position (GRCh38, 1-based): chrX:67,545,621, G>A. VCF-style: chrX-67545621-G-A. GRCh37 (hg19) VCF-style: chrX-66765463-G-A.
Other names: c.-1309G>A (NM_001011645.3); c.475G>A, p.Ala159Thr (NM_001348061.1, NM_001348063.1, NM_001348064.1); c.475G>A (NM_000044.3); short protein forms A159T.
Identifiers: ClinVar variation 492777 (VCV000492777.8), dbSNP rs370215797, ClinGen allele CA10436283.